The following is an entry in ClinVar:

ClinVar aggregate classification (germline): Benign/Likely benign. Review status: criteria provided, multiple submitters, no conflicts (2 of 4 stars). 16 submissions from 14 submitters: Benign (12); Likely benign (2). 2 of the submissions do not count toward it. Last evaluated 2026-02-03.

Conditions:
Pheochromocytoma/paraganglioma syndrome 5. Also called: Paragangliomas 5; SDHA-Related Hereditary Paraganglioma-Pheochromocytoma Syndrome. Identifiers: Orphanet 29072, MedGen C3279992, MONDO:0013602, OMIM 614165.
Neurodegeneration with ataxia and late-onset optic atrophy. Identifiers: MedGen C5543254, MONDO:0031006, OMIM 619259.
Dilated cardiomyopathy 1GG (CMD1GG). Identifiers: Orphanet 154, MedGen C3150898, MONDO:0013339, OMIM 613642.
Mitochondrial complex II deficiency, nuclear type 1. Also called: SUCCINATE CoQ REDUCTASE DEFICIENCY. Identifiers: Orphanet 3208, MedGen C5700310, MONDO:0100294, OMIM 252011.
Hereditary cancer-predisposing syndrome. Also called: Hereditary Cancer Syndrome; Neoplastic Syndromes, Hereditary; Tumor predisposition; Hereditary neoplastic syndrome. Identifiers: Orphanet 140162, MedGen C0027672, MeSH D009386, MONDO:0015356.
Hereditary pheochromocytoma and paraganglioma. Also called: Hereditary Paraganglioma-Pheochromocytoma Syndromes; Hereditary pheochromocytoma-paraganglioma; Hereditary paragangliomas and pheochromocytomas. Identifiers: Orphanet 29072, MedGen C4274332, MONDO:0017366.
Leigh syndrome (NULS). Also called: Leigh's syndrome; Leigh Disease; Subacute necrotizing encephalopathy; Necrotizing encephalopathy infantile subacute of Leigh; Leigh's necrotizing encephalopathy; Leigh's disease. Identifiers: Orphanet 506, MedGen C2931891, MONDO:0009723, OMIM 256000.

Allele frequency attached by ClinVar (database versions not stated): gnomAD 0.01372 and 0.01282; TOPMed 0.01411; ESP Exome Variant Server 0.01545; gnomAD exomes 0.00134 and 0.00319; ExAC 0.00407; 1000 Genomes Project 0.01178; 1000 Genomes Project 30x 0.01327.
gnomAD v4.1: 3,992 of 1,613,950 alleles (0.25%); highest among the groups gnomAD compares: African/African-American, 4.5%; 73 homozygotes.

Submissions (16):

Labcorp Genetics (formerly Invitae), Labcorp
Classification: Benign for Pheochromocytoma/paraganglioma syndrome 5; Mitochondrial complex II deficiency, nuclear type 1. Last evaluated: 2026-02-03. Review status: criteria provided, single submitter. Criteria: Invitae Variant Classification Sherloc (09022015). Collection method: clinical testing. Allele origin: germline.

ARUP Laboratories, Molecular Genetics and Genomics, ARUP Laboratories
Classification: Benign. Last evaluated: 2025-07-15. Review status: criteria provided, single submitter. Criteria: ARUP Molecular Germline Variant Investigation Process 2024. Collection method: clinical testing. Allele origin: germline.

Quest Diagnostics Nichols Institute San Juan Capistrano
Classification: Benign. Last evaluated: 2025-06-03. Review status: criteria provided, single submitter. Criteria: Quest Diagnostics criteria. Collection method: clinical testing. Allele origin: unknown.

Myriad Genetics, Inc.
Classification: Benign for Pheochromocytoma/paraganglioma syndrome 5. Last evaluated: 2025-03-11. Review status: criteria provided, single submitter. Criteria: Myriad Autosomal Dominant, Autosomal Recessive and X-Linked Classification Criteria (2023). Collection method: clinical testing. Allele origin: unknown.
Comment: This variant is considered benign. This variant is a silent/synonymous amino acid change and it is not expected to impact splicing.

Mayo Clinic Laboratories, Mayo Clinic
Classification: Benign. Last evaluated: 2024-10-11. Review status: criteria provided, single submitter. Criteria: ACMG Guidelines, 2015. Collection method: clinical testing. Allele origin: germline. Observed: 11 variant alleles.
Comment: BS1, BS2, BP4, BP7

KCCC/NGS Laboratory, Kuwait Cancer Control Center
Classification: Benign for Pheochromocytoma/paraganglioma syndrome 5. Last evaluated: 2023-07-07. Review status: criteria provided, single submitter. Criteria: ACMG Guidelines, 2015. Collection method: clinical testing. Allele origin: germline. Affected: yes.

Department of Pathology and Laboratory Medicine, Sinai Health System
Classification: Benign for Mitochondrial complex II deficiency, nuclear type 1; Dilated cardiomyopathy 1GG; Pheochromocytoma/paraganglioma syndrome 5; Neurodegeneration with ataxia and late-onset optic atrophy. Last evaluated: 2021-11-26. Review status: criteria provided, single submitter. Criteria: ACMG Guidelines, 2015. Collection method: clinical testing. Allele origin: germline.

Illumina Laboratory Services, Illumina
Classification: Benign for Hereditary Paraganglioma-Pheochromocytoma Syndromes. Last evaluated: 2018-01-12. Review status: criteria provided, single submitter. Criteria: ICSL Variant Classification Criteria 13 December 2019. Collection method: clinical testing. Allele origin: germline.
Comment: This variant was observed in the ICSL laboratory as part of a predisposition screen in an ostensibly healthy population. It had not been previously curated by ICSL or reported in the Human Gene Mutation Database (HGMD: prior to June 1st, 2018), and was therefore a candidate for classification through an automated scoring system. Utilizing variant allele frequency, disease prevalence and penetrance estimates, and inheritance mode, an automated score was calculated to assess if this variant is too frequent to cause the disease. Based on the score and internal cut-off values, a variant classified as benign is not then subjected to further curation. The score for this variant resulted in a classification of benign for this disease.

Illumina Laboratory Services, Illumina
Classification: Likely benign for Mitochondrial complex II deficiency, nuclear type 1. Last evaluated: 2018-01-12. Review status: criteria provided, single submitter. Criteria: ICSL Variant Classification Criteria 13 December 2019. Collection method: clinical testing. Allele origin: germline.
Comment: This variant was observed in the ICSL laboratory as part of a predisposition screen in an ostensibly healthy population. It had not been previously curated by ICSL or reported in the Human Gene Mutation Database (HGMD: prior to June 1st, 2018), and was therefore a candidate for classification through an automated scoring system. Utilizing variant allele frequency, disease prevalence and penetrance estimates, and inheritance mode, an automated score was calculated to assess if this variant is too frequent to cause the disease. Based on the score and internal cut-off values, a variant classified as likely benign is not then subjected to further curation. The score for this variant resulted in a classification of likely benign for this disease.

Illumina Laboratory Services, Illumina
Classification: Benign for Leigh syndrome. Last evaluated: 2018-01-12. Review status: criteria provided, single submitter. Criteria: ICSL Variant Classification Criteria 13 December 2019. Collection method: clinical testing. Allele origin: germline.
Comment: the same text as in the submission from Illumina Laboratory Services, Illumina above.

GeneDx
Classification: Benign. Last evaluated: 2016-03-11. Review status: criteria provided, single submitter. Criteria: GeneDx Variant Classification (06012015). Collection method: clinical testing. Allele origin: germline. Affected: yes.
Comment: This variant is considered likely benign or benign based on one or more of the following criteria: it is a conservative change, it occurs at a poorly conserved position in the protein, it is predicted to be benign by multiple in silico algorithms, and/or has population frequency not consistent with disease.

Ambry Genetics
Classification: Benign for Hereditary cancer-predisposing syndrome. Last evaluated: 2015-02-16. Review status: criteria provided, single submitter. Criteria: Ambry Variant Classification Scheme 2023. Collection method: clinical testing. Allele origin: germline.

Breakthrough Genomics
Classification: Likely benign. Review status: criteria provided, single submitter. Criteria: ACMG Guidelines, 2015. Collection method: not provided. Allele origin: germline. Inheritance: Autosomal recessive inheritance. Affected: yes.

PreventionGenetics, part of Exact Sciences
Classification: Benign. Review status: criteria provided, single submitter. Criteria: ACMG Guidelines, 2015. Collection method: clinical testing. Allele origin: germline.

Genome Diagnostics Laboratory, Amsterdam University Medical Center
Classification: Benign. Review status: no assertion criteria provided. Collection method: clinical testing. Allele origin: germline. Affected: yes. Study: VKGL Data-share Consensus. Not counted in ClinVar's aggregate classification.

Genome Diagnostics Laboratory, University Medical Center Utrecht
Classification: Benign. Review status: no assertion criteria provided. Collection method: clinical testing. Allele origin: germline. Affected: yes. Study: VKGL Data-share Consensus. Not counted in ClinVar's aggregate classification.

Literature cited by the submitters: PubMed 23666964 (cited by Quest Diagnostics Nichols Institute San Juan Capistrano).

NM_004168.4(SDHA):c.1776T>C (p.His592=)

Gene: SDHA (succinate dehydrogenase complex flavoprotein subunit A; plus strand). Cytogenetic location: 5p15.33.
Variant type: single nucleotide variant.
Coding change: c.1776T>C on transcript NM_004168.4 (MANE Select); coding-DNA position 1776, T replaced by C.
Protein change: p.His592=; no amino-acid change (histidine 592 retained).
Molecular consequence: synonymous variant. On other transcripts: intron variant (1).
Genome position (GRCh38, 1-based): chr5:251,450, T>C. VCF-style: chr5-251450-T-C. GRCh37 (hg19) VCF-style: chr5-251565-T-C.
Other names: p.His592=; c.1632T>C, p.His544= (NM_001294332.2); c.1552-2943T>C (NM_001330758.2).
Identifiers: ClinVar variation 141824 (VCV000141824.34), dbSNP rs1126538, ClinGen allele CA345712.